The following is an entry in ClinVar:

NM_057175.5(NAA15):c.2057-4A>G

Gene: NAA15 (N-alpha-acetyltransferase 15, NatA auxiliary subunit; plus strand). Cytogenetic location: 4q31.1.
Variant type: single nucleotide variant.
Coding change: c.2057-4A>G on transcript NM_057175.5 (MANE Select); 4 bases into the intron before coding-DNA position 2057, A replaced by G.
Molecular consequence: intron variant.
Genome position (GRCh38, 1-based): chr4:139,378,752, A>G. VCF-style: chr4-139378752-A-G. GRCh37 (hg19) VCF-style: chr4-140299906-A-G.
Identifiers: ClinVar variation 1552791 (VCV001552791.36), dbSNP rs371230256, ClinGen allele CA3083771.

ClinVar aggregate classification (germline): Benign/Likely benign. Review status: criteria provided, multiple submitters, no conflicts (2 of 4 stars). 3 submissions from 3 submitters: Benign (1); Likely benign (2). Last evaluated 2026-07-01.

Allele frequency attached by ClinVar (database versions not stated): 1000 Genomes Project 30x 0.00047; TOPMed 0.00088; 1000 Genomes Project 0.00040; ExAC 0.00102; gnomAD 0.00104 and 0.00105; gnomAD exomes 0.00105 and 0.00107; ESP Exome Variant Server 0.00188.

Submissions (7):

CeGaT Center for Human Genetics Tuebingen
Classification: Likely benign. Last evaluated: 2026-07-01. Review status: criteria provided, single submitter. Criteria: CeGaT Center For Human Genetics Tuebingen Variant Classification Criteria Version 2. Collection method: clinical testing. Allele origin: germline. Affected: yes. Observed: 12 variant alleles.
Comment: NAA15: BP4, BS1

Labcorp Genetics (formerly Invitae), Labcorp
Classification: Benign. Last evaluated: 2025-12-13. Review status: criteria provided, single submitter. Criteria: Invitae Variant Classification Sherloc (09022015). Collection method: clinical testing. Allele origin: germline.

Blueprint Genetics
Classification: Likely benign. Last evaluated: 2024-11-18. Review status: criteria provided, single submitter. Criteria: ACMG Guidelines, 2015. Collection method: clinical testing. Allele origin: germline.

Dr. Peter K. Rogan Lab, Western University
No classification provided (evidence only). Condition: Clear cell carcinoma of kidney. Review status: no classification provided. Collection method: in vitro. Allele origin: not applicable. Functional consequence: retained intron. Not counted in ClinVar's aggregate classification.

Dr. Peter K. Rogan Lab, Western University
No classification provided (evidence only). Condition: Familial cancer of breast. Review status: no classification provided. Collection method: in vitro. Allele origin: not applicable. Functional consequence: retained intron. Not counted in ClinVar's aggregate classification.

Dr. Peter K. Rogan Lab, Western University
No classification provided (evidence only). Condition: Nonpapillary renal cell carcinoma. Review status: no classification provided. Collection method: in vitro. Allele origin: not applicable. Functional consequence: retained intron. Not counted in ClinVar's aggregate classification.

Dr. Peter K. Rogan Lab, Western University
No classification provided (evidence only). Condition: Gastric cancer. Review status: no classification provided. Collection method: in vitro. Allele origin: not applicable. Functional consequence: retained intron. Not counted in ClinVar's aggregate classification.